The following is an entry in ClinVar:

ClinVar aggregate classification (germline): Uncertain significance (1 of 4 stars; one submission).

Conditions:
Charcot-Marie-Tooth disease type 4A. Also called: Charcot-Marie-Tooth disease, demyelinating, autosomal recessive, type 4a. Identifiers: Orphanet 99948, MedGen C1859198, MONDO:0008961, OMIM 214400.

Allele frequency attached by ClinVar (database versions not stated): gnomAD 0.00001; TOPMed 0.00002.
gnomAD v4.1: 8 of 1,613,988 alleles (0.0005%); highest among the groups gnomAD compares: Non-Finnish European, 0.00059%; no homozygotes.

Submission:

Labcorp Genetics (formerly Invitae), Labcorp
Classification: Uncertain significance for Charcot-Marie-Tooth disease type 4A. Last evaluated: 2024-10-28. Review status: criteria provided, single submitter. Criteria: Invitae Variant Classification Sherloc (09022015). Collection method: clinical testing. Allele origin: germline.
Comment: This sequence change replaces valine, which is neutral and non-polar, with isoleucine, which is neutral and non-polar, at codon 292 of the GDAP1 protein (p.Val292Ile). This variant is present in population databases (no rsID available, gnomAD 0.0009%). This missense change has been observed in individual(s) with clinical features of GDAP1-related conditions (internal data). ClinVar contains an entry for this variant (Variation ID: 1038189). Invitae Evidence Modeling of protein sequence and biophysical properties (such as structural, functional, and spatial information, amino acid conservation, physicochemical variation, residue mobility, and thermodynamic stability) indicates that this missense variant is not expected to disrupt GDAP1 protein function with a negative predictive value of 80%. In summary, the available evidence is currently insufficient to determine the role of this variant in disease. Therefore, it has been classified as a Variant of Uncertain Significance.

NM_018972.4(GDAP1):c.874G>A (p.Val292Ile)

Gene: GDAP1 (ganglioside induced differentiation associated protein 1; plus strand). Cytogenetic location: 8q21.11.
Variant type: single nucleotide variant.
Coding change: c.874G>A on transcript NM_018972.4 (MANE Select); coding-DNA position 874, G replaced by A.
Protein change: p.Val292Ile; replaces valine 292 with isoleucine.
Molecular consequence: missense variant. On other transcripts: intron variant (1).
Genome position (GRCh38, 1-based): chr8:74,364,164, G>A. VCF-style: chr8-74364164-G-A. GRCh37 (hg19) VCF-style: chr8-75276399-G-A.
Other names: c.670G>A, p.Val224Ile (NM_001040875.4); c.547G>A, p.Val183Ile (NM_001362929.2, NM_001362932.2); c.700G>A, p.Val234Ile (NM_001362930.2); c.694+1111G>A (NM_001362931.2); short protein forms V183I, V234I, V292I, V224I.
Identifiers: ClinVar variation 1038189 (VCV001038189.6), dbSNP rs767553697, ClinGen allele CA371550446.
Genomic context (GRCh38, chr8:74,364,164, plus strand): 5'-AAGCGACCAAACTTGGAAACCTATTACGAGCGTGTCTTGAAGAGAAAAACATTTAACAAG[G>A]TTTTAGGACATGTCAACAATATATTAATCTCTGCAGTGCTGCCAACAGCATTCCGGGTGG-3'
Protein context (NP_061845.2, residues 282-302): RVLKRKTFNK[Val292Ile]LGHVNNILIS